The following is an entry in ClinVar:

ClinVar aggregate classification (germline): Benign/Likely benign. Review status: criteria provided, multiple submitters, no conflicts (2 of 4 stars). 2 submissions from 2 submitters: Benign (1); Likely benign (1). Last evaluated 2025-09-03.

Conditions:
Hereditary spastic paraplegia 72 (SPG72A). Also called: Spastic paraplegia 72, autosomal recessive. Identifiers: Orphanet 401849, MedGen C5882669, MONDO:0014282, OMIM 615625.

Allele frequency attached by ClinVar (database versions not stated): gnomAD exomes 0.00008; ExAC 0.00022; ESP Exome Variant Server 0.00062; gnomAD 0.00077; TOPMed 0.00090; 1000 Genomes Project 0.00120; 1000 Genomes Project 30x 0.00141.
gnomAD v4.1: 239 of 1,613,614 alleles (0.015%); highest among the groups gnomAD compares: African/African-American, 0.29%; no homozygotes.

Submissions (2):

Labcorp Genetics (formerly Invitae), Labcorp
Classification: Benign for Hereditary spastic paraplegia 72. Last evaluated: 2025-09-03. Review status: criteria provided, single submitter. Criteria: Invitae Variant Classification Sherloc (09022015). Collection method: clinical testing. Allele origin: germline.

Mayo Clinic Laboratories, Mayo Clinic
Classification: Likely benign. Last evaluated: 2025-01-13. Review status: criteria provided, single submitter. Criteria: ACMG Guidelines, 2015. Collection method: clinical testing. Allele origin: germline. Observed: 1 variant allele.
Comment: BP4, BP7

NM_001271803.2(REEP2):c.486G>A (p.Glu162=)

Gene: REEP2 (receptor accessory protein 2; plus strand). Cytogenetic location: 5q31.2.
Variant type: single nucleotide variant.
Coding change: c.486G>A on transcript NM_001271803.2 (MANE Select); coding-DNA position 486, G replaced by A.
Protein change: p.Glu162=; no amino-acid change (glutamic acid 162 retained).
Molecular consequence: synonymous variant. On other transcripts: non-coding transcript variant (2).
Genome position (GRCh38, 1-based): chr5:138,445,296, G>A. VCF-style: chr5-138445296-G-A. GRCh37 (hg19) VCF-style: chr5-137780985-G-A.
Other names: p.Glu162=; c.480G>A, p.Glu160= (NM_016606.4).
Identifiers: ClinVar variation 1916393 (VCV001916393.6), dbSNP rs73790309, ClinGen allele CA3429835.